The following is an entry in ClinVar:

ClinVar aggregate classification (germline): Uncertain significance. Review status: criteria provided, multiple submitters, no conflicts (2 of 4 stars). 2 submissions from 2 submitters: Uncertain significance (2). Last evaluated 2025-05-26.

Conditions:
Inborn genetic diseases. Identifiers: MedGen C0950123, MeSH D030342.

Allele frequency attached by ClinVar (database versions not stated): TOPMed below 0.00001; ExAC 0.00001; gnomAD exomes 0.00001.
gnomAD v4.1: 5 of 1,613,922 alleles (0.00031%); highest among the groups gnomAD compares: Non-Finnish European, 0.00042%; no homozygotes.

Submissions (2):

Ambry Genetics
Classification: Uncertain significance for Inborn genetic diseases. Last evaluated: 2025-05-26. Review status: criteria provided, single submitter. Criteria: Ambry Variant Classification Scheme 2023. Collection method: clinical testing. Allele origin: germline.

Labcorp Genetics (formerly Invitae), Labcorp
Classification: Uncertain significance. Last evaluated: 2022-03-04. Review status: criteria provided, single submitter. Criteria: Invitae Variant Classification Sherloc (09022015). Collection method: clinical testing. Allele origin: germline.
Comment: In summary, the available evidence is currently insufficient to determine the role of this variant in disease. Therefore, it has been classified as a Variant of Uncertain Significance. Algorithms developed to predict the effect of missense changes on protein structure and function are either unavailable or do not agree on the potential impact of this missense change (SIFT: "Deleterious"; PolyPhen-2: "Probably Damaging"; Align-GVGD: "Class C0"). This variant has not been reported in the literature in individuals affected with PDE6A-related conditions. This variant is present in population databases (rs754177201, gnomAD 0.002%). This sequence change replaces histidine, which is basic and polar, with arginine, which is basic and polar, at codon 507 of the PDE6A protein (p.His507Arg).

NM_000440.3(PDE6A):c.1520A>G (p.His507Arg)

Gene: PDE6A (phosphodiesterase 6A; minus strand). Cytogenetic location: 5q32.
Variant type: single nucleotide variant.
Coding change: c.1520A>G on transcript NM_000440.3 (MANE Select); coding-DNA position 1520, A replaced by G.
Protein change: p.His507Arg; replaces histidine 507 with arginine.
Molecular consequence: missense variant.
Genome position (GRCh38, 1-based): chr5:149,896,456, T>C on the plus strand (A>G on the coding strand, the complement: PDE6A is on the minus strand). VCF-style: chr5-149896456-T-C. GRCh37 (hg19) VCF-style: chr5-149276019-T-C.
Other names: c.1520A>G (NM_000440.2); c.1277A>G, p.His426Arg (NM_001410788.1); short protein forms H426R, H507R.
Identifiers: ClinVar variation 2089925 (VCV002089925.5), dbSNP rs754177201, ClinGen allele CA3504645.